The following is an entry in ClinVar:

NM_003922.4(HERC1):c.446G>A (p.Arg149His)

Gene: HERC1 (HECT and RLD domain containing E3 ubiquitin protein ligase family member 1; minus strand). Cytogenetic location: 15q22.31.
Variant type: single nucleotide variant.
Coding change: c.446G>A on transcript NM_003922.4 (MANE Select); coding-DNA position 446, G replaced by A.
Protein change: p.Arg149His; replaces arginine 149 with histidine.
Molecular consequence: missense variant.
Genome position (GRCh38, 1-based): chr15:63,775,178, C>T on the plus strand (G>A on the coding strand, the complement: HERC1 is on the minus strand). VCF-style: chr15-63775178-C-T. GRCh37 (hg19) VCF-style: chr15-64067377-C-T.
Other names: c.446G>A (NM_003922.3); short protein forms R149H.
Identifiers: ClinVar variation 1930290 (VCV001930290.6), dbSNP rs769145958, ClinGen allele CA7606657.
Genomic context (GRCh38, chr15:63,775,178, plus strand): 5'-AATAAACTTAGACCAGTTCGAACACCCATTTCTATAAGTGCATCAGTGCTTGACCGGGGG[C>T]GTTCACTAACAGAATGGACATCTGCTGAACCAGAACTGCTCTCCGGAGAATGCTGCTGCT-3'
Protein context (NP_003913.3, residues 139-159): GSADVHSVSE[Arg149His]PRSSTDALIE

ClinVar aggregate classification (germline): Uncertain significance. Review status: criteria provided, multiple submitters, no conflicts (2 of 4 stars). 2 submissions from 2 submitters: Uncertain significance (2). Last evaluated 2024-06-04.

Conditions:
Inborn genetic diseases. Identifiers: MedGen C0950123, MeSH D030342.

Allele frequency attached by ClinVar (database versions not stated): gnomAD exomes below 0.00001; TOPMed below 0.00001; ExAC 0.00001; gnomAD 0.00002.

Submissions (2):

Ambry Genetics
Classification: Uncertain significance for Inborn genetic diseases. Last evaluated: 2024-06-04. Review status: criteria provided, single submitter. Criteria: Ambry Variant Classification Scheme 2023. Collection method: clinical testing. Allele origin: germline.

Labcorp Genetics (formerly Invitae), Labcorp
Classification: Uncertain significance. Last evaluated: 2022-09-07. Review status: criteria provided, single submitter. Criteria: Invitae Variant Classification Sherloc (09022015). Collection method: clinical testing. Allele origin: germline.
Comment: This sequence change replaces arginine, which is basic and polar, with histidine, which is basic and polar, at codon 149 of the HERC1 protein (p.Arg149His). This variant is present in population databases (rs769145958, gnomAD 0.003%). This variant has not been reported in the literature in individuals affected with HERC1-related conditions. Algorithms developed to predict the effect of missense changes on protein structure and function are either unavailable or do not agree on the potential impact of this missense change (SIFT: "Deleterious"; PolyPhen-2: "Possibly Damaging"; Align-GVGD: "Class C0"). In summary, the available evidence is currently insufficient to determine the role of this variant in disease. Therefore, it has been classified as a Variant of Uncertain Significance.